The following is an entry in ClinVar:

ClinVar aggregate classification (germline): Uncertain significance (1 of 4 stars; one submission).

gnomAD v4.1: 1 of 1,613,312 alleles (0.000062%); highest among the groups gnomAD compares: African/African-American, 0.0013%; no homozygotes.

Submission:

Labcorp Genetics (formerly Invitae), Labcorp
Classification: Uncertain significance. Last evaluated: 2025-11-10. Review status: criteria provided, single submitter. Criteria: Invitae Variant Classification Sherloc (09022015). Collection method: clinical testing. Allele origin: germline.
Comment: The COL18A1 gene has multiple clinically relevant transcripts. This variant occurs in alternate transcript NM_030582.4, and corresponds to NM_130445.3:c.107-12414C>T in the primary transcript. This sequence change replaces proline, which is neutral and non-polar, with serine, which is neutral and polar, at codon 100 of the COL18A1 protein (p.Pro100Ser). This variant is not present in population databases (gnomAD no frequency). This variant has not been reported in the literature in individuals affected with COL18A1-related conditions. Experimental studies and prediction algorithms are not available or were not evaluated, and the functional significance of this variant is currently unknown. Algorithms developed to predict the effect of sequence changes on RNA splicing suggest that this variant is not likely to affect RNA splicing. In summary, the available evidence is currently insufficient to determine the role of this variant in disease. Therefore, it has been classified as a Variant of Uncertain Significance.

NM_001379500.1(COL18A1):c.107-12414C>T

Gene: COL18A1 (collagen type XVIII alpha 1 chain; plus strand). Cytogenetic location: 21q22.3.
Variant type: single nucleotide variant.
Coding change: c.107-12414C>T on transcript NM_001379500.1 (MANE Select); 12414 bases into the intron before coding-DNA position 107, C replaced by T.
Molecular consequence: intron variant. On other transcripts: missense variant (2).
Genome position (GRCh38, 1-based): chr21:45,455,828, C>T. VCF-style: chr21-45455828-C-T. GRCh37 (hg19) VCF-style: chr21-46875742-C-T.
Other names: c.298C>T, p.Pro100Ser (NM_030582.4, NM_130444.3); short protein forms P100S.
Identifiers: ClinVar variation 4776542 (VCV004776542.1).